The following is an entry in ClinVar:

NM_000518.4(HBB):c.67G>A (p.Glu23Lys)

Genes: HBB (hemoglobin subunit beta; minus strand), LOC106099062 (HBB recombination region; plus strand), LOC107133510 (origin of replication at HBB; plus strand). Cytogenetic location: 11p15.4.
Variant type: single nucleotide variant.
Coding change: c.67G>A on transcript NM_000518.4; coding-DNA position 67, G replaced by A.
Protein change: p.Glu23Lys; replaces glutamic acid 23 with lysine.
Molecular consequence: missense variant (on NM_000518.5).
Genome position (GRCh38, 1-based): chr11:5,226,955, C>T on the plus strand (G>A on the coding strand, the complement: HBB is on the minus strand). VCF-style: chr11-5226955-C-T. GRCh37 (hg19) VCF-style: chr11-5248185-C-T.
Other names: E22K; c.67G>A, p.Glu23Lys (NM_000518.5); short protein forms E23K.
Identifiers: ClinVar variation 15162 (VCV000015162.16), dbSNP rs33959855, ClinGen allele CA124839.

ClinVar aggregate classification (germline): Conflicting classifications of pathogenicity. Review status: criteria provided, conflicting classifications (1 of 4 stars). 3 submissions from 3 submitters: Uncertain significance (1); Likely benign (1). 1 of the submissions does not count toward it. Last evaluated 2025-07-09.

Conditions:
HEMOGLOBIN E (SASKATOON).

gnomAD v4.1: 5 of 1,613,904 alleles (0.00031%); highest among the groups gnomAD compares: East Asian, 0.0022%; no homozygotes.

Submissions (3):

Quest Diagnostics Nichols Institute San Juan Capistrano
Classification: Likely benign. Last evaluated: 2025-07-09. Review status: criteria provided, single submitter. Criteria: Quest Diagnostics criteria. Collection method: clinical testing. Allele origin: unknown.

ARUP Laboratories, Molecular Genetics and Genomics, ARUP Laboratories
Classification: Uncertain significance. Last evaluated: 2024-12-03. Review status: criteria provided, single submitter. Criteria: ARUP Molecular Germline Variant Investigation Process 2024. Collection method: clinical testing. Allele origin: germline.
Comment: The Hb E-Saskatoon variant (HBB: c.67G>A, p.Glu23Lys, also known as Glu22Lys when numbered from the mature protein, rs33959855, HbVar ID: 264, ClinVar Variation ID: 15162) has been reported in a heterozygous state in individuals with no clinical symptoms (HbVar database and reference therein), and comprises half of the total hemoglobin (Birben 2001). Individuals carrying the variant in-trans to Hb S or a beta thalassemia pathogenic variant exhibit mild-moderate hematological abnormalities (Birben 2001, Couto 2014, Theodoridou 2003, HbVar database and references therein), while a homozygous individual presented only mild anemia (Birben 2001). This variant is absent from the Genome Aggregation Database (v2.1.1), indicating it is not a common polymorphism. Computational analyses are uncertain whether this variant is neutral or deleterious (REVEL: 0.536). Although Hb E-Saskatoon has not been associated with severe hematological symptoms, it has been associated with mild hematological changes in combination with other variants; overall, its clinical significance cannot be determined with certainty. References: Link to HbVar database: Birben E et al. Homozygosity for Hb E-Saskatoon (beta22(B4)Glu-->Lys) in a Turkish patient. Hemoglobin. 2001; 25(4):409-15. PMID: 11791874. Couto GK et al. Association of hemoglobin E-Saskatoon with hemoglobin S: report of the first case found in Brazil. Acta Haematol. 2014;131(2):84-7. PMID: 24081202. Theodoridou S et al. The first case of a compound heterozygosity for Hb E-Saskatoon and HbS. Haematologica. 2003 Mar;88(3):ECR08. PMID: 12651286.

OMIM
Classification: other for HEMOGLOBIN E (SASKATOON). Last evaluated: 2019-11-14. Review status: no assertion criteria provided. Collection method: literature only. Allele origin: germline. Not counted in ClinVar's aggregate classification.

Literature cited by the submitters: PubMed 35023007 (cited by Quest Diagnostics Nichols Institute San Juan Capistrano); PubMed 38708170 (cited by Quest Diagnostics Nichols Institute San Juan Capistrano); PubMed 6021187 (cited by Quest Diagnostics Nichols Institute San Juan Capistrano and OMIM); PubMed 3108201 (cited by Quest Diagnostics Nichols Institute San Juan Capistrano and OMIM); PubMed 2283299 (cited by Quest Diagnostics Nichols Institute San Juan Capistrano and OMIM); PubMed 8718699 (cited by Quest Diagnostics Nichols Institute San Juan Capistrano and OMIM); PubMed 11791874 (cited by Quest Diagnostics Nichols Institute San Juan Capistrano and OMIM).